The following is an entry in ClinVar:

NM_001292034.3(TAB2):c.794_806del (p.Leu265fs)

Genes: TAB2 (TGF-beta activated kinase 1 (MAP3K7) binding protein 2; plus strand), LOC126859827 (BRD4-independent group 4 enhancer GRCh37_chr6:149699707-149700906; plus strand). Cytogenetic location: 6q25.1.
Variant type: Deletion.
Coding change: c.794_806del on transcript NM_001292034.3 (MANE Select); coding-DNA positions 794 to 806, 13 bases deleted (TGTCACATACCTC).
Protein change: p.Leu265fs; shifts the reading frame from leucine 265.
Molecular consequence: frameshift variant.
Genome position (GRCh38, 1-based): chr6:149,378,709-149,378,721, TGTCACATACCTC deleted; deleting any 13 consecutive bases within chr6:149,378,705-149,378,721 gives the same sequence; the c. name uses the placement nearest the transcript's 3' end. VCF-style (leftmost placement, unchanged base first): chr6-149378704-TCCTCTGTCACATA-T. GRCh37 (hg19) VCF-style: chr6-149699840-TCCTCTGTCACATA-T.
Other names: c.794_806del, p.Leu265fs (NM_015093.6, NM_001369506.1); c.698_710del, p.Leu233fs (NM_001292035.3); short protein forms L233fs, L265fs.
Identifiers: ClinVar variation 5021102 (VCV005021102.1).
Genomic context (GRCh38, chr6:149,378,704, plus strand): 5'-CCCTCAGCAAGTTTATCAGCCTTCACAGCCTGGTCCCTGGACTACTTGTCCTGCATCTAA[TCCTCTGTCACATA>T]CCTCATCTCAACAGCCAAATCAGCAAGGCCACCAGACCTCTCATGTCTACATGCCAATCA-3'

ClinVar aggregate classification (germline): Pathogenic (1 of 4 stars; one submission).

Conditions:
Paediatric disorders.

Submission:

North West Genomic Laboratory Hub, Manchester University NHS Foundation Trust
Classification: Pathogenic for Paediatric disorders. Last evaluated: 2024-12-06. Review status: criteria provided, single submitter. Criteria: ACGS Best Practice Guidelines for Variant Classification in Rare Disease 2024. Collection method: clinical testing. Allele origin: germline. Affected: yes.
Comment: PM2_Mod PVS1_VStr